The following is an entry in ClinVar:

NM_017763.6(RNF43):c.999del (p.Glu334fs)

Gene: RNF43 (ring finger protein 43; minus strand). Cytogenetic location: 17q22.
Variant type: Deletion.
Coding change: c.999del on transcript NM_017763.6 (MANE Select); coding-DNA position 999, one base deleted (A; older notation c.999delA).
Protein change: p.Glu334fs; shifts the reading frame from glutamic acid 334.
Molecular consequence: frameshift variant.
Genome position (GRCh38, 1-based): chr17:58,358,777, T deleted on the plus strand (A on the coding strand, the reverse complement: RNF43 is on the minus strand); the first of 2 consecutive T bases (chr17:58,358,777-58,358,778); deleting either gives the same sequence. VCF-style (leftmost placement, unchanged base first): chr17-58358776-CT-C. GRCh37 (hg19) VCF-style: chr17-56436137-CT-C.
Other names: c.999delA (NM_017763.4); c.998delA, p.Glu334Asnfs (NM_001305544.3); c.617delA, p.Glu207Asnfs (NM_001305545.2); short protein forms E334fs, E207fs.
Identifiers: ClinVar variation 3664111 (VCV003664111.3).

ClinVar aggregate classification (germline): Uncertain significance. Review status: criteria provided, multiple submitters, no conflicts (2 of 4 stars). 2 submissions from 2 submitters: Uncertain significance (2). Last evaluated 2026-06-15.

Submissions (2):

Ambry Genetics
Classification: Uncertain significance. Last evaluated: 2026-06-15. Review status: criteria provided, single submitter. Criteria: Ambry Variant Classification Scheme 2023. Collection method: clinical testing. Allele origin: germline.
Comment: The c.999delA variant, located in coding exon 8 of the RNF43 gene, results from a deletion of one nucleotide at nucleotide position 999, causing a translational frameshift with a predicted alternate stop codon (p.E334Nfs*85). The evidence for this gene-disease relationship is limited; therefore, the clinical significance of this variant is unclear.

Labcorp Genetics (formerly Invitae), Labcorp
Classification: Uncertain significance. Last evaluated: 2024-10-14. Review status: criteria provided, single submitter. Criteria: Invitae Variant Classification Sherloc (09022015). Collection method: clinical testing. Allele origin: germline.
Comment: This sequence change creates a premature translational stop signal (p.Glu334Asnfs*85) in the RNF43 gene. It is expected to result in an absent or disrupted protein product. However, the current clinical and genetic evidence is not sufficient to establish whether loss-of-function variants in RNF43 cause disease. This variant is not present in population databases (gnomAD no frequency). This variant has not been reported in the literature in individuals affected with RNF43-related conditions. In summary, the available evidence is currently insufficient to determine the role of this variant in disease. Therefore, it has been classified as a Variant of Uncertain Significance.